The following is an entry in ClinVar:

ClinVar aggregate classification (germline): Uncertain significance (1 of 4 stars; one submission).

Conditions:
ADGRV1-related disorder. Also called: ADGRV1-related condition; ADGRV1-related disorders.

gnomAD v4.1: 15 of 1,544,210 alleles (0.00097%); highest among the groups gnomAD compares: Non-Finnish European, 0.0013%; no homozygotes.

Submission:

PreventionGenetics, part of Exact Sciences
Classification: Uncertain significance for ADGRV1-related condition. Last evaluated: 2024-12-18. Review status: criteria provided, single submitter. Criteria: ACMG Guidelines, 2015. Collection method: clinical testing. Allele origin: germline.
Comment: The ADGRV1 c.10007C>G variant is predicted to result in the amino acid substitution p.Ser3336Cys. To our knowledge, this variant has not been reported in the literature. This variant is reported in 0.0011% of alleles in individuals of European (Non-Finnish) descent in gnomAD. At this time, the clinical significance of this variant is uncertain due to the absence of conclusive functional and genetic evidence.

NM_032119.4(ADGRV1):c.10007C>G (p.Ser3336Cys)

Gene: ADGRV1 (adhesion G protein-coupled receptor V1; plus strand). Cytogenetic location: 5q14.3.
Variant type: single nucleotide variant.
Coding change: c.10007C>G on transcript NM_032119.4 (MANE Select); coding-DNA position 10007, C replaced by G.
Protein change: p.Ser3336Cys; replaces serine 3336 with cysteine.
Molecular consequence: missense variant. On other transcripts: non-coding transcript variant (1).
Genome position (GRCh38, 1-based): chr5:90,725,186, C>G. VCF-style: chr5-90725186-C-G. GRCh37 (hg19) VCF-style: chr5-90021003-C-G.
Other names: short protein forms S3336C.
Identifiers: ClinVar variation 4978913 (VCV004978913.1).